The following is an entry in ClinVar:

ClinVar aggregate classification (germline): Uncertain significance. Review status: criteria provided, multiple submitters, no conflicts (2 of 4 stars). 5 submissions from 5 submitters: Uncertain significance (5). Last evaluated 2026-05-21.

Conditions:
Inborn genetic diseases. Identifiers: MedGen C0950123, MeSH D030342.
Chédiak-Higashi syndrome (CHS). Also called: Chediak-Higashi Syndrome. Identifiers: Orphanet 167, MedGen C0007965, MONDO:0008963, OMIM 214500.

Allele frequency attached by ClinVar (database versions not stated): gnomAD 0.00003; ExAC 0.00007; TOPMed 0.00010.
gnomAD v4.1: 98 of 1,609,974 alleles (0.0061%); highest among the groups gnomAD compares: Admixed American, 0.028%; no homozygotes.

Submissions (5):

Women's Health and Genetics/Laboratory Corporation of America, LabCorp
Classification: Uncertain significance. Last evaluated: 2026-05-21. Review status: criteria provided, single submitter. Criteria: LabCorp Variant Classification Summary - May 2015. Collection method: clinical testing. Allele origin: germline.
Comment: Variant summary: LYST c.5598C>G (p.Ile1866Met) results in a conservative amino acid change in the encoded protein sequence. Algorithms developed to predict the effect of missense changes on protein structure and function are either unavailable or do not agree on the potential impact of this missense change. The variant allele was found at a frequency of 8e-05 in 250058 control chromosomes. This frequency is not significantly higher than estimated for disease-causing variants in LYST, allowing no conclusion about variant significance. To our knowledge, no occurrence of c.5598C>G in individuals affected with LYST-related conditions and no experimental evidence demonstrating its impact on protein function have been reported. ClinVar contains an entry for this variant (Variation ID: 1035435). Based on the evidence outlined above, the variant was classified as uncertain significance.

Labcorp Genetics (formerly Invitae), Labcorp
Classification: Uncertain significance for Chédiak-Higashi syndrome. Last evaluated: 2026-02-02. Review status: criteria provided, single submitter. Criteria: Invitae Variant Classification Sherloc (09022015). Collection method: clinical testing. Allele origin: germline.
Comment: This sequence change replaces isoleucine, which is neutral and non-polar, with methionine, which is neutral and non-polar, at codon 1866 of the LYST protein (p.Ile1866Met). This variant is present in population databases (rs779239748, gnomAD 0.04%). This variant has not been reported in the literature in individuals affected with LYST-related conditions. ClinVar contains an entry for this variant (Variation ID: 1035435). Invitae Evidence Modeling of protein sequence and biophysical properties (such as structural, functional, and spatial information, amino acid conservation, physicochemical variation, residue mobility, and thermodynamic stability) indicates that this missense variant is not expected to disrupt LYST protein function with a negative predictive value of 80%. In summary, the available evidence is currently insufficient to determine the role of this variant in disease. Therefore, it has been classified as a Variant of Uncertain Significance.

Ambry Genetics
Classification: Uncertain significance for Inborn genetic diseases. Last evaluated: 2023-12-21. Review status: criteria provided, single submitter. Criteria: Ambry Variant Classification Scheme 2023. Collection method: clinical testing. Allele origin: germline.

Fulgent Genetics
Classification: Uncertain significance for Chédiak-Higashi syndrome. Last evaluated: 2021-07-23. Review status: criteria provided, single submitter. Criteria: ACMG Guidelines, 2015. Collection method: clinical testing. Allele origin: unknown.

Revvity Omics, Revvity
Classification: Uncertain significance for Chédiak-Higashi syndrome. Last evaluated: 2019-07-02. Review status: criteria provided, single submitter. Criteria: ACMG Guidelines, 2015. Collection method: clinical testing. Allele origin: germline.

NM_000081.4(LYST):c.5598C>G (p.Ile1866Met)

Gene: LYST (lysosomal trafficking regulator; minus strand). Cytogenetic location: 1q42.3.
Variant type: single nucleotide variant.
Coding change: c.5598C>G on transcript NM_000081.4 (MANE Select); coding-DNA position 5598, C replaced by G.
Protein change: p.Ile1866Met; replaces isoleucine 1866 with methionine.
Molecular consequence: missense variant.
Genome position (GRCh38, 1-based): chr1:235,774,949, G>C on the plus strand (C>G on the coding strand, the complement: LYST is on the minus strand). VCF-style: chr1-235774949-G-C. GRCh37 (hg19) VCF-style: chr1-235938249-G-C.
Other names: c.5598C>G (NM_000081.2); c.5598C>G, p.Ile1866Met (NM_001301365.1); short protein forms I1866M.
Identifiers: ClinVar variation 1035435 (VCV001035435.10), dbSNP rs779239748, ClinGen allele CA1466592.